The following is an entry in ClinVar:

NM_002860.4(ALDH18A1):c.89-1G>C

Gene: ALDH18A1 (aldehyde dehydrogenase 18 family member A1; minus strand). Cytogenetic location: 10q24.1.
Variant type: single nucleotide variant.
Coding change: c.89-1G>C on transcript NM_002860.4 (MANE Select); the canonical splice acceptor site of the intron before coding-DNA position 89, G replaced by C.
Molecular consequence: splice acceptor variant. On other transcripts: intron variant (4).
Genome position (GRCh38, 1-based): chr10:95,643,207, C>G on the plus strand (G>C on the coding strand, the complement: ALDH18A1 is on the minus strand). VCF-style: chr10-95643207-C-G. GRCh37 (hg19) VCF-style: chr10-97402964-C-G.
Other names: c.-78-9558G>C (NM_001323419.2); c.-30-5771G>C (NM_001323412.2, NM_001323418.2, NM_001323416.2); c.89-1G>C (NM_001323417.2, NM_001017423.2, NM_001323415.2 and 2 more transcripts).
Identifiers: ClinVar variation 1679568 (VCV001679568.3), dbSNP rs2139642879, ClinGen allele CA377708623.
Genomic context (GRCh38, chr10:95,643,207, plus strand): 5'-TGATAAACGGGATGTTGCTCCAAGAACGAACATGTCTGATGACTGAAGGCTGGATACAAT[C>G]TGTAGCCATCAAAGTCAAATGCAAGAAAAAAAGAAATACTCAATATAGTTTTTCAATAAA-3'

ClinVar aggregate classification (germline): Conflicting classifications of pathogenicity. Review status: criteria provided, conflicting classifications (1 of 4 stars). 2 submissions from 2 submitters: Likely pathogenic (1); Uncertain significance (1). Last evaluated 2025-03-12.

Conditions:
Hereditary spastic paraplegia 9A. Also called: CATARACTS WITH MOTOR NEURONOPATHY, SHORT STATURE, AND SKELETAL ABNORMALITIES; SPASTIC PARAPLEGIA 9A, AUTOSOMAL DOMINANT; SPASTIC PARAPARESIS WITH AMYOTROPHY, CATARACTS, AND GASTROESOPHAGEAL REFLUX. Identifiers: Orphanet 100990, Orphanet 447753, MedGen C5568978, MONDO:0011006, OMIM 601162.
Cutis laxa, autosomal dominant 3 (ADCL3). Identifiers: Orphanet 90348, MedGen C4225268, MONDO:0014706, OMIM 616603.
ALDH18A1-related de Barsy syndrome. Also called: DE BARSY SYNDROME A; Cutis laxa, autosomal recessive IIIA. Identifiers: Orphanet 2962, Orphanet 35664, MedGen C5234852, MONDO:0009053, OMIM 219150.
Autosomal recessive complex spastic paraplegia type 9B. Also called: Spastic paraplegia 9b, autosomal recessive. Identifiers: Orphanet 447760, MedGen C5568980, MONDO:0014702, OMIM 616586.

Submissions (2):

Mayo Clinic Laboratories, Mayo Clinic
Classification: Likely pathogenic. Last evaluated: 2025-03-12. Review status: criteria provided, single submitter. Criteria: ACMG Guidelines, 2015. Collection method: clinical testing. Allele origin: germline. Observed: 1 variant allele.
Comment: PM2_supporting, PVS1

New York Genome Center
Classification: Uncertain significance for Cutis laxa, autosomal dominant 3; ALDH18A1-related de Barsy syndrome; Hereditary spastic paraplegia 9A; Autosomal recessive complex spastic paraplegia type 9B. Last evaluated: 2021-04-23. Review status: criteria provided, single submitter. Criteria: NYGC Assertion Criteria 2020. Collection method: clinical testing. Allele origin: germline. Observed: 1 heterozygote. Study: CSER-NYCKidSeq.